The following is an entry in ClinVar:

NM_000238.4(KCNH2):c.1778T>C (p.Ile593Thr)

Gene: KCNH2 (potassium voltage-gated channel subfamily H member 2; minus strand). Cytogenetic location: 7q36.1.
Variant type: single nucleotide variant.
Coding change: c.1778T>C on transcript NM_000238.4 (MANE Select); coding-DNA position 1778, T replaced by C.
Protein change: p.Ile593Thr; replaces isoleucine 593 with threonine.
Molecular consequence: missense variant.
Genome position (GRCh38, 1-based): chr7:150,951,615, A>G on the plus strand (T>C on the coding strand, the complement: KCNH2 is on the minus strand). VCF-style: chr7-150951615-A-G. GRCh37 (hg19) VCF-style: chr7-150648703-A-G.
Other names: p.I593T:ATA>ACA; c.1778T>C (LRG_288t1); c.758T>C, p.Ile253Thr (NM_172057.3, NM_001204798.2); c.1490T>C, p.Ile497Thr (NM_001406753.1, NM_001406756.1); c.1601T>C, p.Ile534Thr (NM_001406755.1); c.1478T>C, p.Ile493Thr (NM_001406757.1); c.1778T>C, p.Ile593Thr (NM_172056.3); short protein forms I253T, I593T, I497T, I534T, I493T.
Identifiers: ClinVar variation 67270 (VCV000067270.6), dbSNP rs28928904, ClinGen allele CA005452.
Genomic context (GRCh38, chr7:150,951,615, plus strand): 5'-GTCACATACTTGTCCTTGATGGAGGGGCCGCCCAGGCCGCTGCTGTTGTAGGGTTTGCCT[A>G]TCTGGTCGCCCAGGTTGTGCAGCCAGCCGATGCGTGAGTCCATGTGTGGCTGCTCCATGT-3'
Protein context (NP_000229.1, residues 583-603): IGWLHNLGDQ[Ile593Thr]GKPYNSSGLG

ClinVar aggregate classification (germline): Conflicting classifications of pathogenicity. Review status: criteria provided, conflicting classifications (1 of 4 stars). 4 submissions from 4 submitters: Pathogenic (1); Uncertain significance (2). 1 of the submissions does not count toward it. Last evaluated 2026-01-04.

Conditions:
Cardiovascular phenotype. Identifiers: MedGen CN230736.
Familial long QT syndrome (RWS). Also called: Congenital long QT syndrome; Romano-Ward syndrome; VENTRICULAR FIBRILLATION WITH PROLONGED QT INTERVAL. Identifiers: Orphanet 768, MedGen C1141890, MONDO:0019171.
Long QT syndrome (LQTS). Identifiers: MedGen C0023976, MeSH D008133, MONDO:0002442. Disease mechanism: loss of function. Inheritance: Various modes of inheritance.

Submissions (4):

Labcorp Genetics (formerly Invitae), Labcorp
Classification: Uncertain significance for Long QT syndrome. Last evaluated: 2026-01-04. Review status: criteria provided, single submitter. Criteria: Invitae Variant Classification Sherloc (09022015). Collection method: clinical testing. Allele origin: germline.
Comment: This sequence change replaces isoleucine, which is neutral and non-polar, with threonine, which is neutral and polar, at codon 593 of the KCNH2 protein (p.Ile593Thr). This variant is not present in population databases (gnomAD no frequency). This missense change has been observed in individual(s) with long QT syndrome (PMID: 26669661). ClinVar contains an entry for this variant (Variation ID: 67270). An algorithm developed to predict the effect of missense changes on protein structure and function (PolyPhen-2) suggests that this variant is likely to be disruptive. This variant disrupts the p.Ile593 amino acid residue in KCNH2. Other variant(s) that disrupt this residue have been determined to be pathogenic (PMID: 8635257, 16432067, 23303164). This suggests that this residue is clinically significant, and that variants that disrupt this residue are likely to be disease-causing. In summary, the available evidence is currently insufficient to determine the role of this variant in disease. Therefore, it has been classified as a Variant of Uncertain Significance.

Ambry Genetics
Classification: Uncertain significance for Cardiovascular phenotype. Last evaluated: 2020-07-31. Review status: criteria provided, single submitter. Criteria: Ambry Variant Classification Scheme 2023. Collection method: clinical testing. Allele origin: germline.

GeneDx
Classification: Pathogenic. Last evaluated: 2014-02-02. Review status: criteria provided, single submitter. Criteria: GeneDx Variant Classification (06012015). Collection method: clinical testing. Allele origin: germline. Affected: yes.
Comment: p.Ile593Thr (ATA>ACA): c.1778 T>C in exon 7 of the KCNH2 gene (NM_000238.2)The I593T mutation in the KCNH2 gene has been reported in one individual with LQTS (reported as T1778C; Splawski I et al., 2000). I593T is a non-conservative amino acid substitution as these residues differ in polarity, charge, size and/or other properties and is more likely to impact secondary structure. Mutations in the same residue (I593K, I593R, I593V) and in nearby residues (G590V, G594D, K595E) have been reported in association with LQTS, supporting the functional importance of this region of the protein. Furthermore, the I593T mutation was not observed inapproximately 6500 individuals of European and African American ancestry in the NHLBI Exome Sequencing Project, indicating it is not a common benign variant in these populations.In summary, I593T in the KCNH2 gene is interpreted as a disease-causing mutation. The variant is found in LQT panel(s).

Cardiovascular Biomedical Research Unit, Royal Brompton & Harefield NHS Foundation Trust
No classification provided. Condition: Familial long QT syndrome. Review status: no classification provided. Collection method: literature only. Allele origin: germline. Not counted in ClinVar's aggregate classification.
Comment: This variant has been reported as associated with Long QT syndrome in the following publications (PMID:10973849). This is a literature report, and does not necessarily reflect the clinical interpretation of the Imperial College / Royal Brompton Cardiovascular Genetics laboratory.

Literature cited by the submitters: PubMed 26669661 (cited by Labcorp Genetics (formerly Invitae), Labcorp); PubMed 8635257 (cited by Labcorp Genetics (formerly Invitae), Labcorp); PubMed 16432067 (cited by Labcorp Genetics (formerly Invitae), Labcorp); PubMed 23303164 (cited by Labcorp Genetics (formerly Invitae), Labcorp); PubMed 10973849 (cited by Cardiovascular Biomedical Research Unit, Royal Brompton & Harefield NHS Foundation Trust); PubMed 22581653 (cited by Cardiovascular Biomedical Research Unit, Royal Brompton & Harefield NHS Foundation Trust).